The following is an entry in ClinVar:

NC_000005.9:g.(?_33944753)_(33964141_?)del

Gene: SLC45A2 (solute carrier family 45 member 2; minus strand). Cytogenetic location: 5p13.2.
Variant type: Deletion.
Identifiers: ClinVar variation 3246526 (VCV003246526.1).

ClinVar aggregate classification (germline): Pathogenic (1 of 4 stars; one submission).

Submission:

Labcorp Genetics (formerly Invitae), Labcorp
Classification: Pathogenic. Last evaluated: 2023-11-20. Review status: criteria provided, single submitter. Criteria: Invitae Variant Classification Sherloc (09022015). Collection method: clinical testing. Allele origin: unknown.
Comment: This variant is a gross deletion of the genomic region encompassing exon(s) 3-7 of the SLC45A2 gene, which includes the termination codon. This deletion extends beyond the assayed region for this gene and therefore may encompass additional genes. While this deletion is not anticipated to lead to nonsense mediated decay, it is expected to alter mRNA translation or result in a truncated protein product. This variant has not been reported in the literature in individuals affected with SLC45A2-related conditions. This variant disrupts a region of the SLC45A2 protein in which other variant(s) (p.Cys519Arg) have been determined to be pathogenic (Invitae). This suggests that this is a clinically significant region of the protein, and that variants that disrupt it are likely to be disease-causing. For these reasons, this variant has been classified as Pathogenic.